The following is an entry in ClinVar:

NM_014316.4(CARHSP1):c.150C>G (p.Thr50=)

Genes: CARHSP1 (calcium regulated heat stable protein 1; minus strand), LOC100130283 (uncharacterized LOC100130283; plus strand). Cytogenetic location: 16p13.2.
Variant type: single nucleotide variant.
Coding change: c.150C>G on transcript NM_014316.4 (MANE Select); coding-DNA position 150, C replaced by G.
Protein change: p.Thr50=; no amino-acid change (threonine 50 retained).
Molecular consequence: synonymous variant.
Genome position (GRCh38, 1-based): chr16:8,859,179, G>C on the plus strand (C>G on the coding strand, the complement: CARHSP1 is on the minus strand). VCF-style: chr16-8859179-G-C. GRCh37 (hg19) VCF-style: chr16-8953036-G-C.
Other names: c.150C>G, p.Thr50= (NM_001042476.2, NM_001278260.2, NM_001278261.2 and 5 more transcripts).
Identifiers: ClinVar variation 2646183 (VCV002646183.24), dbSNP rs758440108, ClinGen allele CA7894506.
Genomic context (GRCh38, chr16:8,859,179, plus strand): 5'-CTCAGGCAAGAGATCCATCTGAGAACGCGTCCCCAGCCTGCTCCAGACTCACGCCGAGAA[G>C]GTCCTCGTCCGGCGAGTGGGCAGTGGGCTTGGGACCACGTTGCCCCGCAGAGGGGATGGT-3'
Protein context (NP_055131.2, residues 40-60): PSPLPTRRTR[Thr50=]FSATVRASQG

ClinVar aggregate classification (germline): Likely benign (1 of 4 stars; one submission).

gnomAD v4.1: 31 of 1,599,982 alleles (0.0019%); highest among the groups gnomAD compares: South Asian, 0.022%; no homozygotes.

Submission:

CeGaT Center for Human Genetics Tuebingen
Classification: Likely benign. Last evaluated: 2023-03-01. Review status: criteria provided, single submitter. Criteria: CeGaT Center For Human Genetics Tuebingen Variant Classification Criteria Version 2. Collection method: clinical testing. Allele origin: germline. Affected: yes. Observed: 1 variant allele.
Comment: CARHSP1: BP4, BP7